The following is an entry in ClinVar:

NM_017636.4(TRPM4):c.1569C>T (p.Gly523=)

Gene: TRPM4 (transient receptor potential cation channel subfamily M member 4; plus strand). Cytogenetic location: 19q13.33.
Variant type: single nucleotide variant.
Coding change: c.1569C>T on transcript NM_017636.4 (MANE Select); coding-DNA position 1569, C replaced by T.
Protein change: p.Gly523=; no amino-acid change (glycine 523 retained).
Molecular consequence: synonymous variant. On other transcripts: intron variant (1).
Genome position (GRCh38, 1-based): chr19:49,182,883, C>T. VCF-style: chr19-49182883-C-T. GRCh37 (hg19) VCF-style: chr19-49686140-C-T.
Other names: c.1569C>T, p.Gly523= (NM_001195227.2); c.1224C>T, p.Gly408= (NM_001321281.2); c.1047C>T, p.Gly349= (NM_001321283.2); c.507C>T, p.Gly169= (NM_001321285.2); c.-1+16C>T (NM_001321282.2); c.1569C>T (NM_017636.3).
Identifiers: ClinVar variation 1116804 (VCV001116804.10), dbSNP rs751825185, ClinGen allele CA9569228.

ClinVar aggregate classification (germline): Conflicting classifications of pathogenicity. Review status: criteria provided, conflicting classifications (1 of 4 stars). 2 submissions from 2 submitters: Uncertain significance (1); Likely benign (1). Last evaluated 2023-08-08.

Conditions:
Cardiovascular phenotype. Identifiers: MedGen CN230736.
Progressive familial heart block type IB (PFHB1B). Identifiers: Orphanet 871, MedGen C1970298, MONDO:0011474, OMIM 604559.

Allele frequency attached by ClinVar (database versions not stated): gnomAD exomes below 0.00001 and 0.00001; TOPMed below 0.00001; gnomAD 0.00001; ExAC 0.00002.
gnomAD v4.1: 8 of 1,601,614 alleles (0.0005%); highest among the groups gnomAD compares: Admixed American, 0.0051%; no homozygotes.

Submissions (2):

Ambry Genetics
Classification: Uncertain significance for Cardiovascular phenotype. Last evaluated: 2023-08-08. Review status: criteria provided, single submitter. Criteria: Ambry Variant Classification Scheme 2023. Collection method: clinical testing. Allele origin: germline.
Comment: The c.1569C>T variant (also known as p.G523G), located in coding exon 11 of the TRPM4 gene, results from a C to T substitution at nucleotide position 1569. This nucleotide substitution does not change the glycine at codon 523. This nucleotide position is well conserved in available vertebrate species. In silico splice site analysis for this alteration is inconclusive. Since supporting evidence is limited at this time, the clinical significance of this alteration remains unclear.

Labcorp Genetics (formerly Invitae), Labcorp
Classification: Likely benign for Progressive familial heart block type IB. Last evaluated: 2022-02-22. Review status: criteria provided, single submitter. Criteria: Invitae Variant Classification Sherloc (09022015). Collection method: clinical testing. Allele origin: germline.